The following is an entry in ClinVar:

NM_006205.3(PDE6H):c.46C>T (p.Pro16Ser)

Gene: PDE6H (phosphodiesterase 6H; plus strand). Cytogenetic location: 12p12.3.
Variant type: single nucleotide variant.
Coding change: c.46C>T on transcript NM_006205.3 (MANE Select); coding-DNA position 46, C replaced by T.
Protein change: p.Pro16Ser; replaces proline 16 with serine.
Molecular consequence: missense variant.
Genome position (GRCh38, 1-based): chr12:14,978,058, C>T. VCF-style: chr12-14978058-C-T. GRCh37 (hg19) VCF-style: chr12-15130992-C-T.
Other names: short protein forms P16S.
Identifiers: ClinVar variation 2078803 (VCV002078803.4), dbSNP rs2497602498, ClinGen allele CA384023865.

ClinVar aggregate classification (germline): Uncertain significance (1 of 4 stars; one submission).

Submission:

Labcorp Genetics (formerly Invitae), Labcorp
Classification: Uncertain significance. Last evaluated: 2022-10-05. Review status: criteria provided, single submitter. Criteria: Invitae Variant Classification Sherloc (09022015). Collection method: clinical testing. Allele origin: germline.
Comment: This variant is not present in population databases (gnomAD no frequency). This variant has not been reported in the literature in individuals affected with PDE6H-related conditions. Algorithms developed to predict the effect of missense changes on protein structure and function (SIFT, PolyPhen-2, Align-GVGD) all suggest that this variant is likely to be disruptive. This sequence change replaces proline, which is neutral and non-polar, with serine, which is neutral and polar, at codon 16 of the PDE6H protein (p.Pro16Ser). In summary, the available evidence is currently insufficient to determine the role of this variant in disease. Therefore, it has been classified as a Variant of Uncertain Significance.